The following is an entry in ClinVar:

ClinVar aggregate classification (germline): Uncertain significance (1 of 4 stars; one submission).

Conditions:
DICER1-related tumor predisposition. Also called: DICER1-related pleuropulmonary blastoma cancer predisposition syndrome; DICER1 syndrome. Identifiers: Orphanet 284343, MedGen C3839822, MONDO:0100216.

Submission:

Labcorp Genetics (formerly Invitae), Labcorp
Classification: Uncertain significance for DICER1-related tumor predisposition. Last evaluated: 2024-02-03. Review status: criteria provided, single submitter. Criteria: Invitae Variant Classification Sherloc (09022015). Collection method: clinical testing. Allele origin: germline.
Comment: This sequence change replaces cysteine, which is neutral and slightly polar, with serine, which is neutral and polar, at codon 251 of the DICER1 protein (p.Cys251Ser). This variant is not present in population databases (gnomAD no frequency). This variant has not been reported in the literature in individuals affected with DICER1-related conditions. Advanced modeling of protein sequence and biophysical properties (such as structural, functional, and spatial information, amino acid conservation, physicochemical variation, residue mobility, and thermodynamic stability) performed at Invitae indicates that this missense variant is not expected to disrupt DICER1 protein function with a negative predictive value of 80%. In summary, the available evidence is currently insufficient to determine the role of this variant in disease. Therefore, it has been classified as a Variant of Uncertain Significance.

NM_177438.3(DICER1):c.752G>C (p.Cys251Ser)

Gene: DICER1 (dicer 1, ribonuclease III; minus strand). Cytogenetic location: 14q32.13.
Variant type: single nucleotide variant.
Coding change: c.752G>C on transcript NM_177438.3 (MANE Select); coding-DNA position 752, G replaced by C.
Protein change: p.Cys251Ser; replaces cysteine 251 with serine.
Molecular consequence: missense variant. On other transcripts: non-coding transcript variant (6), 5 prime UTR variant (1).
Genome position (GRCh38, 1-based): chr14:95,126,731, C>G on the plus strand (G>C on the coding strand, the complement: DICER1 is on the minus strand). VCF-style: chr14-95126731-C-G. GRCh37 (hg19) VCF-style: chr14-95593068-C-G.
Other names: c.752G>C, p.Cys251Ser (NM_001395700.1, NM_030621.4, NM_001395692.1 and 14 more transcripts); c.347G>C, p.Cys116Ser (NM_001395696.1, NM_001395698.1, NM_001395687.1 and 3 more transcripts); c.-817G>C (NM_001395697.1); c.470G>C, p.Cys157Ser (NM_001395686.1); c.185G>C, p.Cys62Ser (NM_001395691.1); short protein forms C62S, C116S, C251S, C157S.
Identifiers: ClinVar variation 3638589 (VCV003638589.2).